The following is an entry in ClinVar:

ClinVar aggregate classification (germline): Uncertain significance (1 of 4 stars; one submission).

Conditions:
Cardiovascular phenotype. Identifiers: MedGen CN230736.

Submission:

Ambry Genetics
Classification: Uncertain significance for Cardiovascular phenotype. Last evaluated: 2024-10-27. Review status: criteria provided, single submitter. Criteria: Ambry Variant Classification Scheme 2023. Collection method: clinical testing. Allele origin: germline.
Comment: The p.N816D variant (also known as c.2446A>G), located in coding exon 8 of the HCN4 gene, results from an A to G substitution at nucleotide position 2446. The asparagine at codon 816 is replaced by aspartic acid, an amino acid with highly similar properties. This amino acid position is conserved. In addition, this alteration is predicted to be tolerated by in silico analysis. Based on the available evidence, the clinical significance of this variant remains unclear.

NM_005477.3(HCN4):c.2446A>G (p.Asn816Asp)

Gene: HCN4 (hyperpolarization activated cyclic nucleotide gated potassium channel 4; minus strand). Cytogenetic location: 15q24.1.
Variant type: single nucleotide variant.
Coding change: c.2446A>G on transcript NM_005477.3 (MANE Select); coding-DNA position 2446, A replaced by G.
Protein change: p.Asn816Asp; replaces asparagine 816 with aspartic acid.
Molecular consequence: missense variant.
Genome position (GRCh38, 1-based): chr15:73,323,647, T>C on the plus strand (A>G on the coding strand, the complement: HCN4 is on the minus strand). VCF-style: chr15-73323647-T-C. GRCh37 (hg19) VCF-style: chr15-73615988-T-C.
Other names: short protein forms N816D.
Identifiers: ClinVar variation 3524326 (VCV003524326.1).
Genomic context (GRCh38, chr15:73,323,647, plus strand): 5'-CAGAAGGGATCAGGGACTGCAGCCGTTTCAGGTGCCTTGGCGTCTGCCCGGCACCGAGGT[T>C]GCCCAGCCCAGATCCTGGGGGAGGGCGGAAGATGGCAGCAGGCAGGCGAGGGTGGTGGGT-3'
Protein context (NP_005468.1, residues 806-826): FRPPPGSGLG[Asn816Asp]LGAGQTPRHL